The following is an entry in ClinVar:

NM_000038.6(APC):c.4685A>G (p.Asp1562Gly)

Gene: APC (APC regulator of Wnt signaling pathway; plus strand). Cytogenetic location: 5q22.2.
Variant type: single nucleotide variant.
Coding change: c.4685A>G on transcript NM_000038.6 (MANE Select); coding-DNA position 4685, A replaced by G.
Protein change: p.Asp1562Gly; replaces aspartic acid 1562 with glycine.
Molecular consequence: missense variant.
Genome position (GRCh38, 1-based): chr5:112,840,279, A>G. VCF-style: chr5-112840279-A-G. GRCh37 (hg19) VCF-style: chr5-112175976-A-G.
Other names: c.4685A>G, p.Asp1562Gly (NM_001127510.3, NM_001354895.2); c.4631A>G, p.Asp1544Gly (NM_001127511.3); c.4739A>G, p.Asp1580Gly (NM_001354896.2); c.4715A>G, p.Asp1572Gly (NM_001354897.2); c.4610A>G, p.Asp1537Gly (NM_001354898.2); c.4601A>G, p.Asp1534Gly (NM_001354899.2); c.4562A>G, p.Asp1521Gly (NM_001354900.2); c.4508A>G, p.Asp1503Gly (NM_001354901.2); and 5 more; short protein forms D1461G, D1534G, D1537G, D1544G, D1402G, D1503G, D1521G, D1572G.
Identifiers: ClinVar variation 825094 (VCV000825094.10), dbSNP rs1580651199, ClinGen allele CA16031604.

ClinVar aggregate classification (germline): Uncertain significance. Review status: criteria provided, multiple submitters, no conflicts (2 of 4 stars). 2 submissions from 2 submitters: Uncertain significance (2). Last evaluated 2022-06-28.

Conditions:
Hereditary cancer-predisposing syndrome. Also called: Tumor predisposition; Hereditary Cancer Syndrome; Neoplastic Syndromes, Hereditary; Hereditary neoplastic syndrome. Identifiers: Orphanet 140162, MedGen C0027672, MeSH D009386, MONDO:0015356.
Familial adenomatous polyposis 1 (FAP1). Also called: POLYPOSIS, ADENOMATOUS INTESTINAL; FAMILIAL ADENOMATOUS POLYPOSIS 1, ATTENUATED. Identifiers: MedGen C2713442, MONDO:0021056, OMIM 175100. Disease mechanism: loss of function.
Attenuated familial adenomatous polyposis (AFAP). Also called: Attenuated FAP. Identifiers: Orphanet 220460, MedGen C2674616, MONDO:0016362.
Gastric adenocarcinoma and proximal polyposis of the stomach (GAPPS). Also called: Gastric Adenocarcinoma and Proximal Polyposis of the Stomach (GAPPS); Polyposis, gastric, Dos Santos and de Magalhaes 1980; POLYPOSIS, GASTRIC. Identifiers: Orphanet 314022, MedGen C4749917, MONDO:0017790, OMIM 619182.

Submissions (2):

Labcorp Genetics (formerly Invitae), Labcorp
Classification: Uncertain significance for Familial adenomatous polyposis 1. Last evaluated: 2022-06-28. Review status: criteria provided, single submitter. Criteria: Invitae Variant Classification Sherloc (09022015). Collection method: clinical testing. Allele origin: germline.
Comment: This sequence change replaces aspartic acid, which is acidic and polar, with glycine, which is neutral and non-polar, at codon 1562 of the APC protein (p.Asp1562Gly). This variant is not present in population databases (gnomAD no frequency). This variant has not been reported in the literature in individuals affected with APC-related conditions. ClinVar contains an entry for this variant (Variation ID: 825094). Algorithms developed to predict the effect of missense changes on protein structure and function are either unavailable or do not agree on the potential impact of this missense change (SIFT: "Deleterious"; PolyPhen-2: "Probably Damaging"; Align-GVGD: "Class C0"). In summary, the available evidence is currently insufficient to determine the role of this variant in disease. Therefore, it has been classified as a Variant of Uncertain Significance.

Ambry Genetics
Classification: Uncertain significance for Hereditary cancer-predisposing syndrome. Last evaluated: 2018-11-08. Review status: criteria provided, single submitter. Criteria: Ambry Variant Classification Scheme 2023. Collection method: clinical testing. Allele origin: germline.
Comment: The p.D1562G variant (also known as c.4685A>G), located in coding exon 15 of the APC gene, results from an A to G substitution at nucleotide position 4685. The aspartic acid at codon 1562 is replaced by glycine, an amino acid with similar properties. This amino acid position is highly conserved in available vertebrate species. In addition, in silico predictors for this gene do not accurately predict pathogenicity. Since supporting evidence is limited at this time, the clinical significance of this alteration remains unclear.